The following is an entry in ClinVar:

NM_003611.3(OFD1):c.491G>A (p.Ser164Asn)

Gene: OFD1 (OFD1 centriole and centriolar satellite protein; plus strand). Cytogenetic location: Xp22.2.
Variant type: single nucleotide variant.
Coding change: c.491G>A on transcript NM_003611.3 (MANE Select); coding-DNA position 491, G replaced by A.
Protein change: p.Ser164Asn; replaces serine 164 with asparagine.
Molecular consequence: missense variant.
Genome position (GRCh38, 1-based): chrX:13,744,493, G>A. VCF-style: chrX-13744493-G-A. GRCh37 (hg19) VCF-style: chrX-13762612-G-A.
Other names: c.491G>A, p.Ser164Asn (NM_001330209.2); c.71G>A, p.Ser24Asn (NM_001330210.2); short protein forms S24N, S164N.
Identifiers: ClinVar variation 1979018 (VCV001979018.4), dbSNP rs1227304686, ClinGen allele CA412336274.

ClinVar aggregate classification (germline): Uncertain significance (1 of 4 stars; one submission).

Conditions:
Joubert syndrome. Also called: CEREBELLOPARENCHYMAL DISORDER IV; JOUBERT-BOLTSHAUSER SYNDROME; Familial aplasia of the vermis. Identifiers: Orphanet 475, MedGen C5979921, MONDO:0018772.
Orofaciodigital syndrome I (OFD1). Also called: OFDS I; Papillon-Leage and Psaume Syndrome; Oral-Facial-Digital Syndrome Type I. Identifiers: Orphanet 2750, MedGen C1510460, MONDO:0010702, OMIM 311200.

Allele frequency attached by ClinVar (database versions not stated): gnomAD exomes 0.00001; TOPMed 0.00001; gnomAD 0.00002.
gnomAD v4.1: 16 of 1,154,315 alleles (0.0014%); highest among the groups gnomAD compares: Non-Finnish European, 0.0019%; no homozygotes.

Submission:

Labcorp Genetics (formerly Invitae), Labcorp
Classification: Uncertain significance for Orofaciodigital syndrome I; Joubert syndrome. Last evaluated: 2026-01-07. Review status: criteria provided, single submitter. Criteria: Invitae Variant Classification Sherloc (09022015). Collection method: clinical testing. Allele origin: germline.
Comment: This sequence change replaces serine, which is neutral and polar, with asparagine, which is neutral and polar, at codon 164 of the OFD1 protein (p.Ser164Asn). This variant is present in population databases (no rsID available, gnomAD 0.001%). This variant has not been reported in the literature in individuals affected with OFD1-related conditions. ClinVar contains an entry for this variant (Variation ID: 1979018). Invitae Evidence Modeling of protein sequence and biophysical properties (such as structural, functional, and spatial information, amino acid conservation, physicochemical variation, residue mobility, and thermodynamic stability) indicates that this missense variant is not expected to disrupt OFD1 protein function with a negative predictive value of 80%. In summary, the available evidence is currently insufficient to determine the role of this variant in disease. Therefore, it has been classified as a Variant of Uncertain Significance.